The following is an entry in ClinVar:

ClinVar aggregate classification (germline): Conflicting classifications of pathogenicity. Review status: criteria provided, conflicting classifications (1 of 4 stars). 2 submissions from 2 submitters: Uncertain significance (1); Likely benign (1). Last evaluated 2025-05-29.

Allele frequency attached by ClinVar (database versions not stated): gnomAD exomes below 0.00001; TOPMed below 0.00001; gnomAD 0.00001.
gnomAD v4.1: 2 of 1,605,998 alleles (0.00012%); highest among the groups gnomAD compares: African/African-American, 0.0013%; no homozygotes.

Submissions (2):

Ambry Genetics
Classification: Uncertain significance. Last evaluated: 2025-05-29. Review status: criteria provided, single submitter. Criteria: Ambry Variant Classification Scheme 2023. Collection method: clinical testing. Allele origin: germline.
Comment: The c.717T>C variant (also known as p.S239S), located in coding exon 5 of the ATRIP gene, results from a T to C substitution at nucleotide position 717. This nucleotide substitution does not change the amino acid at codon 239. This nucleotide position is well conserved in available vertebrate species. In silico splice site analysis for this alteration is inconclusive. The evidence for this gene-disease relationship is limited; therefore, the clinical significance of this alteration is unclear.

Labcorp Genetics (formerly Invitae), Labcorp
Classification: Likely benign. Last evaluated: 2022-10-09. Review status: criteria provided, single submitter. Criteria: Invitae Variant Classification Sherloc (09022015). Collection method: clinical testing. Allele origin: germline.

NM_130384.3(ATRIP):c.717T>C (p.Ser239=)

Genes: ATRIP (ATR interacting protein; plus strand), ATRIP-TREX1 (ATRIP-TREX1 readthrough; plus strand). Cytogenetic location: 3p21.31.
Variant type: single nucleotide variant.
Coding change: c.717T>C on transcript NM_130384.3 (MANE Select); coding-DNA position 717, T replaced by C.
Protein change: p.Ser239=; no amino-acid change (serine 239 retained).
Molecular consequence: synonymous variant. On other transcripts: non-coding transcript variant (1).
Genome position (GRCh38, 1-based): chr3:48,457,304, T>C. VCF-style: chr3-48457304-T-C. GRCh37 (hg19) VCF-style: chr3-48498704-T-C.
Other names: c.717T>C (NM_130384.1); c.336T>C, p.Ser112= (NM_001271022.2); c.438T>C, p.Ser146= (NM_001271023.2); c.717T>C, p.Ser239= (NM_032166.4).
Identifiers: ClinVar variation 1922575 (VCV001922575.6), dbSNP rs2039977646, ClinGen allele CA433538570.